The following is an entry in ClinVar:

NM_015909.4(NBAS):c.2318_2319del (p.Ser773fs)

Gene: NBAS (NBAS subunit of NRZ tethering complex; minus strand). Cytogenetic location: 2p24.3.
Variant type: Deletion.
Coding change: c.2318_2319del on transcript NM_015909.4 (MANE Select); coding-DNA positions 2318 to 2319, 2 bases deleted (CT; older notation c.2318_2319delCT).
Protein change: p.Ser773fs; shifts the reading frame from serine 773.
Molecular consequence: frameshift variant. On other transcripts: non-coding transcript variant (1).
Genome position (GRCh38, 1-based): chr2:15,461,221-15,461,222, AG deleted on the plus strand (CT on the coding strand, the reverse complement: NBAS is on the minus strand); deleting any 2 consecutive bases within chr2:15,461,221-15,461,223 gives the same sequence; the c. name uses the placement nearest the transcript's 3' end. VCF-style (leftmost placement, unchanged base first): chr2-15461220-CAG-C. GRCh37 (hg19) VCF-style: chr2-15601344-CAG-C.
Other names: short protein forms S773fs.
Identifiers: ClinVar variation 2975990 (VCV002975990.3), dbSNP rs2528075432, ClinGen allele CA2535469123.

ClinVar aggregate classification (germline): Pathogenic (1 of 4 stars; one submission).

Submission:

Labcorp Genetics (formerly Invitae), Labcorp
Classification: Pathogenic. Last evaluated: 2024-10-23. Review status: criteria provided, single submitter. Criteria: Invitae Variant Classification Sherloc (09022015). Collection method: clinical testing. Allele origin: germline.
Comment: This sequence change creates a premature translational stop signal (p.Ser773Cysfs*9) in the NBAS gene. It is expected to result in an absent or disrupted protein product. Loss-of-function variants in NBAS are known to be pathogenic (PMID: 26073778, 26541327, 27789416, 28031453). This variant is not present in population databases (gnomAD no frequency). This variant has not been reported in the literature in individuals affected with NBAS-related conditions. For these reasons, this variant has been classified as Pathogenic.

Literature cited by the submitters: PubMed 26073778; PubMed 26541327; PubMed 27789416; PubMed 28031453.